The following is an entry in ClinVar:

NM_004409.5(DMPK):c.*224CTG[123]

Genes: DM1-AS (DM1 locus antisense RNA; plus strand), DMPK (DM1 protein kinase; minus strand), LOC107075317 (origin of replication in DMPK trinucleotide repeat region; plus strand), LOC109461477 (dystrophia myotonica protein kinase repeat instability region; plus strand). Cytogenetic location: 19q13.32.
Variant type: Microsatellite.
Coding change: c.*224CTG[123] on transcript NM_004409.5 (MANE Select); 123 copies in a row of the 3-base unit CTG starting at c.*224.
Molecular consequence: 3 prime UTR variant.
Genome position: GRCh38, VCF-style position (the base before the change): chr19:45,770,204. GRCh37 (hg19), VCF-style position (the base before the change): chr19:46,273,462.
Other names: DM1 CTG repeat expansion; c.*224CTG[123] (NM_001081560.3, NM_001288764.2, NM_001424165.1 and 1 more transcripts); c.*217CTG[123] (NM_001081562.3, NM_001288765.2, NM_001424162.1 and 2 more transcripts); c.*222_*224TGC[123] (NM_001081563.3); c.*369CTG[123] (NM_001288766.2, NM_001424164.1, NM_001424168.1).
Identifiers: ClinVar variation 187915 (VCV000187915.2), ClinGen allele CA915951712.

ClinVar aggregate classification (germline): Pathogenic (0 of 4 stars; one submission).

Conditions:
Steinert myotonic dystrophy syndrome (DM1). Also called: STEINERT DISEASE; Myotonic dystrophy type 1; Dystrophia myotonica type 1; Steinert myotonic dystrophy; Steinert's disease. Identifiers: Orphanet 273, MedGen C3250443, MONDO:0008056, OMIM 160900.

Submission:

Institute of Molecular, Cell and Systems Biology, University of Glasgow
Classification: Pathogenic for Steinert myotonic dystrophy syndrome. Review status: no assertion criteria provided. Criteria: research. Collection method: research. Allele origin: germline. Inheritance: Autosomal dominant inheritance. Affected: yes. Observed: 1 heterozygote.
Comment: DMPK CTG repeat expansions greater than approximately 45-50 repeats are assumed to be pathogenic

This record is based on data published in PubMed 25052313, which reports only ClinVar accessions SCV000120188 and SCV000120189. The complete data set includes SCV000207445 - SCV000207579.

Literature cited by the submitters: PubMed 1346923; PubMed 1546326; PubMed 25052313.